The following is an entry in ClinVar:

NM_000388.4(CASR):c.1343C>G (p.Ser448Cys)

Gene: CASR (calcium sensing receptor; plus strand). Cytogenetic location: 3q21.1.
Variant type: single nucleotide variant.
Coding change: c.1343C>G on transcript NM_000388.4 (MANE Select); coding-DNA position 1343, C replaced by G.
Protein change: p.Ser448Cys; replaces serine 448 with cysteine.
Molecular consequence: missense variant.
Genome position (GRCh38, 1-based): chr3:122,262,378, C>G. VCF-style: chr3-122262378-C-G. GRCh37 (hg19) VCF-style: chr3-121981225-C-G.
Other names: c.1343C>G, p.Ser448Cys (NM_001178065.2); short protein forms S448C.
Identifiers: ClinVar variation 2953809 (VCV002953809.3), dbSNP rs2473229272, ClinGen allele CA354153232.

ClinVar aggregate classification (germline): Uncertain significance (1 of 4 stars; one submission).

Conditions:
Autosomal dominant hypocalcemia 1 (HYPOC1). Also called: HYPOCALCEMIA, FAMILIAL. Identifiers: MedGen C3715128, MONDO:0011013, OMIM 601198.
Familial hypocalciuric hypercalcemia (FHH). Also called: Familial benign hypercalcemia. Identifiers: Orphanet 405, MedGen C1809471, MONDO:0018458.

gnomAD v4.1: 1 of 1,613,728 alleles (0.000062%); highest among the groups gnomAD compares: African/African-American, 0.0013%; no homozygotes.

Submission:

Labcorp Genetics (formerly Invitae), Labcorp
Classification: Uncertain significance for Familial hypocalciuric hypercalcemia; Autosomal dominant hypocalcemia 1. Last evaluated: 2023-01-15. Review status: criteria provided, single submitter. Criteria: Invitae Variant Classification Sherloc (09022015). Collection method: clinical testing. Allele origin: germline.
Comment: This sequence change replaces serine, which is neutral and polar, with cysteine, which is neutral and slightly polar, at codon 448 of the CASR protein (p.Ser448Cys). This variant is not present in population databases (gnomAD no frequency). This variant has not been reported in the literature in individuals affected with CASR-related conditions. Algorithms developed to predict the effect of missense changes on protein structure and function (SIFT, PolyPhen-2, Align-GVGD) all suggest that this variant is likely to be disruptive. This variant disrupts the p.Ser448 amino acid residue in CASR. Other variant(s) that disrupt this residue have been determined to be pathogenic (PMID: 32150253). This suggests that this residue is clinically significant, and that variants that disrupt this residue are likely to be disease-causing. In summary, the available evidence is currently insufficient to determine the role of this variant in disease. Therefore, it has been classified as a Variant of Uncertain Significance.

Literature cited by the submitters: PubMed 32150253.